The following is an entry in ClinVar:

NM_001277115.2(DNAH11):c.8714A>T (p.Asn2905Ile)

Gene: DNAH11 (dynein axonemal heavy chain 11; plus strand). Cytogenetic location: 7p15.3.
Variant type: single nucleotide variant.
Coding change: c.8714A>T on transcript NM_001277115.2 (MANE Select); coding-DNA position 8714, A replaced by T.
Protein change: p.Asn2905Ile; replaces asparagine 2905 with isoleucine.
Molecular consequence: missense variant.
Genome position (GRCh38, 1-based): chr7:21,749,718, A>T. VCF-style: chr7-21749718-A-T. GRCh37 (hg19) VCF-style: chr7-21789336-A-T.
Other names: short protein forms N2905I.
Identifiers: ClinVar variation 454715 (VCV000454715.9), dbSNP rs1554276924, ClinGen allele CA366955772.

ClinVar aggregate classification (germline): Uncertain significance (1 of 4 stars; one submission).

Conditions:
Primary ciliary dyskinesia. Also called: Ciliary dyskinesia. Identifiers: Orphanet 244, MedGen C0008780, MONDO:0016575, HP:0012265.

Submission:

Labcorp Genetics (formerly Invitae), Labcorp
Classification: Uncertain significance for Primary ciliary dyskinesia. Last evaluated: 2023-08-04. Review status: criteria provided, single submitter. Criteria: Invitae Variant Classification Sherloc (09022015). Collection method: clinical testing. Allele origin: germline.
Comment: In summary, the available evidence is currently insufficient to determine the role of this variant in disease. Therefore, it has been classified as a Variant of Uncertain Significance. Advanced modeling of protein sequence and biophysical properties (such as structural, functional, and spatial information, amino acid conservation, physicochemical variation, residue mobility, and thermodynamic stability) performed at Invitae indicates that this missense variant is not expected to disrupt DNAH11 protein function. ClinVar contains an entry for this variant (Variation ID: 454715). This missense change has been observed in individual(s) with clinical features of DNAH11-related conditions (Invitae). This variant is not present in population databases (gnomAD no frequency). This sequence change replaces asparagine, which is neutral and polar, with isoleucine, which is neutral and non-polar, at codon 2905 of the DNAH11 protein (p.Asn2905Ile).